The following is an entry in ClinVar:

ClinVar aggregate classification (germline): Conflicting classifications of pathogenicity. Review status: criteria provided, conflicting classifications (1 of 4 stars). 3 submissions from 3 submitters: Uncertain significance (1); Likely benign (1). 1 of the submissions does not count toward it. Last evaluated 2025-10-22.

Conditions:
Epidermolysis bullosa dystrophica. Also called: Dystrophic epidermolysis bullosa, Hallopeau-Siemens type (formerly); Dystrophic epidermolysis bullosa. Identifiers: Orphanet 303, MedGen C0079294, MONDO:0006543.
COL7A1-related disorder. Also called: COL7A1-related condition; COL7A1- related disorders.

Allele frequency attached by ClinVar (database versions not stated): TOPMed below 0.00001; gnomAD 0.00001; gnomAD exomes 0.00001; ExAC 0.00002; 1000 Genomes Project 30x 0.00016; 1000 Genomes Project 0.00020.
gnomAD v4.1: 16 of 1,613,838 alleles (0.00099%); highest among the groups gnomAD compares: Middle Eastern, 0.017%; no homozygotes.

Submissions (3):

Labcorp Genetics (formerly Invitae), Labcorp
Classification: Likely benign. Last evaluated: 2025-10-22. Review status: criteria provided, single submitter. Criteria: Invitae Variant Classification Sherloc (09022015). Collection method: clinical testing. Allele origin: germline.

Illumina Laboratory Services, Illumina
Classification: Uncertain significance for Dystrophic epidermolysis bullosa. Last evaluated: 2018-01-12. Review status: criteria provided, single submitter. Criteria: ICSL Variant Classification Criteria 13 December 2019. Collection method: clinical testing. Allele origin: germline.

PreventionGenetics, part of Exact Sciences
Classification: Likely benign for COL7A1-related condition. Last evaluated: 2019-12-09. Review status: no assertion criteria provided. Collection method: clinical testing. Allele origin: germline. Not counted in ClinVar's aggregate classification.
Comment: This variant is classified as likely benign based on ACMG/AMP sequence variant interpretation guidelines (Richards et al. 2015 PMID: 25741868, with internal and published modifications).

NM_000094.4(COL7A1):c.7581G>A (p.Gly2527=)

Gene: COL7A1 (collagen type VII alpha 1 chain; minus strand). Cytogenetic location: 3p21.31.
Variant type: single nucleotide variant.
Coding change: c.7581G>A on transcript NM_000094.4 (MANE Select); coding-DNA position 7581, G replaced by A.
Protein change: p.Gly2527=; no amino-acid change (glycine 2527 retained).
Molecular consequence: synonymous variant.
Genome position (GRCh38, 1-based): chr3:48,569,625, C>T on the plus strand (G>A on the coding strand, the complement: COL7A1 is on the minus strand). VCF-style: chr3-48569625-C-T. GRCh37 (hg19) VCF-style: chr3-48607058-C-T.
Identifiers: ClinVar variation 345806 (VCV000345806.14), dbSNP rs530291076, ClinGen allele CA2378411.